The following is an entry in ClinVar:

NM_182961.4(SYNE1):c.4749T>A (p.Ser1583=)

Gene: SYNE1 (spectrin repeat containing nuclear envelope protein 1; minus strand). Cytogenetic location: 6q25.2.
Variant type: single nucleotide variant.
Coding change: c.4749T>A on transcript NM_182961.4 (MANE Select); coding-DNA position 4749, T replaced by A.
Protein change: p.Ser1583=; no amino-acid change (serine 1583 retained).
Molecular consequence: synonymous variant.
Genome position (GRCh38, 1-based): chr6:152,430,151, A>T on the plus strand (T>A on the coding strand, the complement: SYNE1 is on the minus strand). VCF-style: chr6-152430151-A-T. GRCh37 (hg19) VCF-style: chr6-152751286-A-T.
Other names: c.4770T>A, p.Ser1590= (NM_033071.5); c.4770T>A (NM_033071.3).
Identifiers: ClinVar variation 1144316 (VCV001144316.11), dbSNP rs201761581, ClinGen allele CA4058477.

ClinVar aggregate classification (germline): Likely benign. Review status: criteria provided, single submitter (1 of 4 stars). 2 submissions from 2 submitters: Likely benign (1). 1 of the submissions does not count toward it. Last evaluated 2025-10-02.

Conditions:
SYNE1-related disorder. Also called: SYNE1-related disorders; SYNE1-related disease; SYNE1-related condition.
Autosomal recessive ataxia, Beauce type. Also called: Spinocerebellar ataxia, autosomal recessive 8; ATAXIA, RECESSIVE, OF BEAUCE; SYNE1-Related Autosomal Recessive Cerebellar Ataxia; SYNE1 Deficiency. Identifiers: Orphanet 88644, MedGen C1853116, MONDO:0012549, OMIM 610743.
Emery-Dreifuss muscular dystrophy 4, autosomal dominant (EDMD4). Also called: EMERY-DREIFUSS MUSCULAR DYSTROPHY 4 WITH VARIABLE FEATURES. Identifiers: Orphanet 261, MedGen C2751807, MONDO:0013071, OMIM 612998.

Allele frequency attached by ClinVar (database versions not stated): gnomAD exomes 0.00014 and 0.00006; 1000 Genomes Project 30x 0.00016; 1000 Genomes Project 0.00020; TOPMed 0.00002; ExAC 0.00006.
gnomAD v4.1: 203 of 1,605,176 alleles (0.013%); highest among the groups gnomAD compares: Non-Finnish European, 0.017%; no homozygotes.

Submissions (2):

Labcorp Genetics (formerly Invitae), Labcorp
Classification: Likely benign for Emery-Dreifuss muscular dystrophy 4, autosomal dominant; Autosomal recessive ataxia, Beauce type. Last evaluated: 2025-10-02. Review status: criteria provided, single submitter. Criteria: Invitae Variant Classification Sherloc (09022015). Collection method: clinical testing. Allele origin: germline.

PreventionGenetics, part of Exact Sciences
Classification: Likely benign for SYNE1-related condition. Last evaluated: 2019-06-05. Review status: no assertion criteria provided. Collection method: clinical testing. Allele origin: germline. Not counted in ClinVar's aggregate classification.
Comment: This variant is classified as likely benign based on ACMG/AMP sequence variant interpretation guidelines (Richards et al. 2015 PMID: 25741868, with internal and published modifications).